The following is an entry in ClinVar:

NM_000492.4(CFTR):c.1360_1365delinsGCT (p.Leu454del)

Genes: CFTR (CF transmembrane conductance regulator; plus strand), CFTR-AS1 (CFTR antisense RNA 1; minus strand). Cytogenetic location: 7q31.2.
Variant type: Indel.
Coding change: c.1360_1365delinsGCT on transcript NM_000492.4 (MANE Select); coding-DNA positions 1360 to 1365, TTGGCG replaced by GCT.
Protein change: p.Leu454del; deletes leucine 454.
Molecular consequence: inframe deletion.
Genome position (GRCh38, 1-based): chr7:117,548,791-117,548,796, TTGGCG replaced by GCT. VCF-style: chr7-117548791-TTGGCG-GCT. GRCh37 (hg19) VCF-style: chr7-117188845-TTGGCG-GCT.
Other names: short protein forms L454del.
Identifiers: ClinVar variation 3063878 (VCV003063878.1), dbSNP rs2485046495, ClinGen allele CA2740097516.
Genomic context (GRCh38, chr7:117,548,791, plus strand): 5'-TCACTTCTTGGTACTCCTGTCCTGAAAGATATTAATTTCAAGATAGAAAGAGGACAGTTG[TTGGCG>GCT]GTTGCTGGATCCACTGGAGCAGGCAAGGTAGTTCTTTTGTTCTTCACTATTAAGAACTTA-3'

ClinVar aggregate classification (germline): Uncertain significance (1 of 4 stars; one submission).

Submission:

Women's Health and Genetics/Laboratory Corporation of America, LabCorp
Classification: Uncertain significance. Last evaluated: 2024-01-12. Review status: criteria provided, single submitter. Criteria: LabCorp Variant Classification Summary - May 2015. Collection method: clinical testing. Allele origin: germline.
Comment: Variant summary: CFTR c.1360_1365delinsGCT (p.Leu454del) results in an in-frame deletion that is predicted to remove one amino acid from the encoded protein. The variant is a multi-nucleotide variant consisting of c.1360_1362delTTG and c.1365G>T. c.1360_1362delTTG has been reported in at least one individual with CF, however the publication does not specify the presence of the second variant in cis (Stuhrmann_1997). To our knowledge, no occurrence of c.1360_1365delinsGCT in individuals affected with Cystic Fibrosis and no experimental evidence demonstrating its impact on protein function have been reported. No submitters have cited clinical-significance assessments for this variant to ClinVar. Based on the evidence outlined above, the variant was classified as uncertain significance.

Literature cited by the submitters: PubMed 9383031.